The following is an entry in ClinVar:

ClinVar aggregate classification (germline): Uncertain significance. Review status: criteria provided, multiple submitters, no conflicts (2 of 4 stars). 3 submissions from 3 submitters: Uncertain significance (3). Last evaluated 2024-06-10.

Conditions:
Hereditary cancer-predisposing syndrome. Also called: Neoplastic Syndromes, Hereditary; Hereditary Cancer Syndrome; Hereditary neoplastic syndrome; Tumor predisposition. Identifiers: Orphanet 140162, MedGen C0027672, MeSH D009386, MONDO:0015356.
Familial cancer of breast. Also called: hereditary breast carcinoma; BREAST CANCER, FAMILIAL; Hereditary breast cancer. Identifiers: Orphanet 227535, MedGen C0346153, MONDO:0016419, OMIM 114480. Disease mechanism: loss of function.
Fanconi anemia complementation group J. Also called: BRIP1-Related Fanconi Anemia. Identifiers: Orphanet 84, MedGen C1836860, MONDO:0012187, OMIM 609054.

Allele frequency attached by ClinVar (database versions not stated): gnomAD exomes below 0.00001.
gnomAD v4.1: 2 of 1,612,854 alleles (0.00012%); highest among the groups gnomAD compares: Non-Finnish European, 0.00017%; no homozygotes.

Submissions (3):

Labcorp Genetics (formerly Invitae), Labcorp
Classification: Uncertain significance for Familial cancer of breast; Fanconi anemia complementation group J. Last evaluated: 2024-06-10. Review status: criteria provided, single submitter. Criteria: Invitae Variant Classification Sherloc (09022015). Collection method: clinical testing. Allele origin: germline.
Comment: This sequence change replaces glutamine, which is neutral and polar, with histidine, which is basic and polar, at codon 388 of the BRIP1 protein (p.Gln388His). This variant is not present in population databases (gnomAD no frequency). This variant has not been reported in the literature in individuals affected with BRIP1-related conditions. ClinVar contains an entry for this variant (Variation ID: 643125). Advanced modeling of protein sequence and biophysical properties (such as structural, functional, and spatial information, amino acid conservation, physicochemical variation, residue mobility, and thermodynamic stability) performed at Invitae indicates that this missense variant is not expected to disrupt BRIP1 protein function with a negative predictive value of 80%. Algorithms developed to predict the effect of sequence changes on RNA splicing suggest that this variant may disrupt the consensus splice site. In summary, the available evidence is currently insufficient to determine the role of this variant in disease. Therefore, it has been classified as a Variant of Uncertain Significance.

Ambry Genetics
Classification: Uncertain significance for Hereditary cancer-predisposing syndrome. Last evaluated: 2024-02-09. Review status: criteria provided, single submitter. Criteria: Ambry Variant Classification Scheme 2023. Collection method: clinical testing. Allele origin: germline.
Comment: The p.Q388H variant (also known as c.1164G>T), located in coding exon 8 of the BRIP1 gene, results from a G to T substitution at nucleotide position 1164. The glutamine at codon 388 is replaced by histidine, an amino acid with highly similar properties. This amino acid position is highly conserved in available vertebrate species. In addition, the in silico prediction for this alteration is inconclusive. Since supporting evidence is limited at this time, the clinical significance of this alteration remains unclear.

GeneDx
Classification: Uncertain significance. Last evaluated: 2019-10-08. Review status: criteria provided, single submitter. Criteria: GeneDx Variant Classification Process June 2021. Collection method: clinical testing. Allele origin: germline. Affected: yes.
Comment: Not observed in large population cohorts (Lek 2016); In silico analysis, which includes protein predictors and evolutionary conservation, supports that this variant does not alter protein structure/function; Has not been previously published as pathogenic or benign to our knowledge

NM_032043.3(BRIP1):c.1164G>T (p.Gln388His)

Gene: BRIP1 (BRCA1 interacting DNA helicase 1; minus strand). Cytogenetic location: 17q23.2.
Variant type: single nucleotide variant.
Coding change: c.1164G>T on transcript NM_032043.3 (MANE Select); coding-DNA position 1164, G replaced by T.
Protein change: p.Gln388His; replaces glutamine 388 with histidine.
Molecular consequence: missense variant.
Genome position (GRCh38, 1-based): chr17:61,799,276, C>A on the plus strand (G>T on the coding strand, the complement: BRIP1 is on the minus strand). VCF-style: chr17-61799276-C-A. GRCh37 (hg19) VCF-style: chr17-59876637-C-A.
Other names: short protein forms Q388H.
Identifiers: ClinVar variation 643125 (VCV000643125.13), dbSNP rs1603342334, ClinGen allele CA400483781.